The following is an entry in ClinVar:

NM_000540.3(RYR1):c.1588C>T (p.Arg530Cys)

Gene: RYR1 (ryanodine receptor 1; plus strand). Cytogenetic location: 19q13.2.
Variant type: single nucleotide variant.
Coding change: c.1588C>T on transcript NM_000540.3 (MANE Select); coding-DNA position 1588, C replaced by T.
Protein change: p.Arg530Cys; replaces arginine 530 with cysteine.
Molecular consequence: missense variant.
Genome position (GRCh38, 1-based): chr19:38,455,462, C>T. VCF-style: chr19-38455462-C-T. GRCh37 (hg19) VCF-style: chr19-38946102-C-T.
Other names: c.1588C>T, p.Arg530Cys (NM_001042723.2); c.1588C>T (NM_000540.2); short protein forms R530C.
Identifiers: ClinVar variation 808532 (VCV000808532.53), dbSNP rs757399861, ClinGen allele CA062167.
Genomic context (GRCh38, chr19:38,455,462, plus strand): 5'-CACCCCAGATCCCCAGTCCTATTGGATCTGACACCTCTTCCCCCCTCAGCTTCTCTAATC[C>T]GTGGCAATCGTAGCAACTGTGCCCTCTTCTCCACAAACTTGGACTGGCTGGTCAGCAAGC-3'
Protein context (NP_000531.2, residues 520-540): LLYELLASLI[Arg530Cys]GNRSNCALFS

ClinVar aggregate classification (germline): Conflicting classifications of pathogenicity. Review status: criteria provided, conflicting classifications (1 of 4 stars). 5 submissions from 5 submitters: Likely pathogenic (1); Uncertain significance (4). Last evaluated 2025-01-25.

Conditions:
RYR1-related disorder. Also called: RYR1-related condition; RYR1-related disorders. Identifiers: MedGen CN239331.
Malignant hyperthermia, susceptibility to, 1 (MHS1). Also called: Malignant hyperthermia suceptibility 1; RYR1-Related Malignant Hyperthermia Susceptibility; Anesthesia related hyperthermia; Malignant hyperpyrexia; Fulminating hyperpyrexia; Pharmacogenic myopathy. Identifiers: Orphanet 423, MedGen C2930980, MONDO:0007783, OMIM 145600.

Allele frequency attached by ClinVar (database versions not stated): gnomAD below 0.00001 and 0.00001; gnomAD exomes 0.00002 and 0.00003; ExAC 0.00003.
gnomAD v4.1: 30 of 1,614,038 alleles (0.0019%); highest among the groups gnomAD compares: South Asian, 0.014%; no homozygotes.

Submissions (5):

Labcorp Genetics (formerly Invitae), Labcorp
Classification: Likely pathogenic for RYR1-related disorder. Last evaluated: 2025-01-25. Review status: criteria provided, single submitter. Criteria: Invitae Variant Classification Sherloc (09022015). Collection method: clinical testing. Allele origin: germline.
Comment: This sequence change replaces arginine, which is basic and polar, with cysteine, which is neutral and slightly polar, at codon 530 of the RYR1 protein (p.Arg530Cys). This variant is present in population databases (rs757399861, gnomAD 0.03%). This variant has not been reported in the literature in individuals affected with RYR1-related conditions. ClinVar contains an entry for this variant (Variation ID: 808532). Invitae Evidence Modeling of protein sequence and biophysical properties (such as structural, functional, and spatial information, amino acid conservation, physicochemical variation, residue mobility, and thermodynamic stability) indicates that this missense variant is expected to disrupt RYR1 protein function with a positive predictive value of 95%. This variant disrupts the p.Arg530 amino acid residue in RYR1. Other variant(s) that disrupt this residue have been determined to be pathogenic (PMID: 16917943, 19191329, 19191333, 26578207, 27646467). This suggests that this residue is clinically significant, and that variants that disrupt this residue are likely to be disease-causing. In summary, the currently available evidence indicates that the variant is pathogenic, but additional data are needed to prove that conclusively. Therefore, this variant has been classified as Likely Pathogenic.

GeneDx
Classification: Uncertain significance. Last evaluated: 2024-12-05. Review status: criteria provided, single submitter. Criteria: GeneDx Variant Classification Process June 2021. Collection method: clinical testing. Allele origin: germline. Affected: yes.
Comment: In silico analysis supports that this missense variant has a deleterious effect on protein structure/function; Has not been previously published as pathogenic or benign to our knowledge; This variant is associated with the following publications: (PMID: 33767344, 27646467, 19191333, 33625594, 26578207)

Revvity Omics, Revvity
Classification: Uncertain significance. Last evaluated: 2023-10-04. Review status: criteria provided, single submitter. Criteria: ACMG Guidelines, 2015. Collection method: clinical testing. Allele origin: germline.

All of Us Research Program, National Institutes of Health
Classification: Uncertain significance for Malignant hyperthermia, susceptibility to, 1. Last evaluated: 2023-03-23. Review status: criteria provided, single submitter. Criteria: ACMG Guidelines, 2015. Collection method: clinical testing. Allele origin: germline. Inheritance: Autosomal dominant inheritance. Observed: 1 variant allele, 1 heterozygote.
Comment: This missense variant replaces arginine with cysteine at codon 530 of the RYR1 protein. Computational prediction suggests that this variant may have deleterious impact on protein structure and function (internally defined REVEL score threshold >= 0.7, PMID: 27666373). To our knowledge, functional studies have not been reported for this variant. This variant has not been reported in individuals affected with RYR1-related disorders in the literature. This variant has been identified in 7/251496 chromosomes in the general population by the Genome Aggregation Database (gnomAD). A different variant occurring at the same codon, c.1589G>A (p.Arg530His), is considered pathogenic (ClinVar Variation ID: 133101), indicating that Arg at this position may be important for RYR1 protein function. The available evidence is insufficient to determine the role of this variant in disease conclusively. Therefore, this variant is classified as a Variant of Uncertain Significance.

This study involves interpretation of variants in research participants for the purpose of population health screening. Participant phenotype was not available at the time of variant classification. Additional details can be found in publication PMID: 35346344, PMCID: PMC8962531

CeGaT Center for Human Genetics Tuebingen
Classification: Uncertain significance. Last evaluated: 2018-06-01. Review status: criteria provided, single submitter. Criteria: CeGaT Center For Human Genetics Tuebingen Variant Classification Criteria Version 2. Collection method: clinical testing. Allele origin: germline. Affected: yes. Observed: 1 variant allele.

Literature cited by the submitters: PubMed 16917943 (cited by Labcorp Genetics (formerly Invitae), Labcorp); PubMed 19191329 (cited by Labcorp Genetics (formerly Invitae), Labcorp); PubMed 19191333 (cited by Labcorp Genetics (formerly Invitae), Labcorp); PubMed 26578207 (cited by Labcorp Genetics (formerly Invitae), Labcorp); PubMed 27646467 (cited by Labcorp Genetics (formerly Invitae), Labcorp).